The following is an entry in ClinVar:

ClinVar aggregate classification (germline): Uncertain significance (1 of 4 stars; one submission).

Submission:

GeneDx
Classification: Uncertain significance. Last evaluated: 2018-11-30. Review status: criteria provided, single submitter. Criteria: GeneDx Variant Classification (06012015). Collection method: clinical testing. Allele origin: germline. Affected: yes.
Comment: The c.1428+5G>A variant in the GATA6 gene has not been reported previously as a pathogenic variant nor as a benign variant, to our knowledge. This splice site variant destroys the natural splice donor site of intron 4, which may cause abnormal gene splicing resulting in an in-frame protein product with an abnormal message. However, in the absence of RNA/functional studies, the actual effect of c.1428+5G>A in this individual is unknown. This variant occurs in the GATA-type 2 zinc finger domain. The c.1428+5G>A variant is not observed in large population cohorts (Lek et al., 2016). We interpret c.1428+5G>A as a variant of uncertain significance.

NM_005257.6(GATA6):c.1428+5G>A

Gene: GATA6 (GATA binding protein 6; plus strand). Cytogenetic location: 18q11.2.
Variant type: single nucleotide variant.
Coding change: c.1428+5G>A on transcript NM_005257.6 (MANE Select); 5 bases into the intron after coding-DNA position 1428, G replaced by A.
Molecular consequence: intron variant.
Genome position (GRCh38, 1-based): chr18:22,181,583, G>A. VCF-style: chr18-22181583-G-A. GRCh37 (hg19) VCF-style: chr18-19761544-G-A.
Identifiers: ClinVar variation 390252 (VCV000390252.2), dbSNP rs1057523694, ClinGen allele CA16608718.
Genomic context (GRCh38, chr18:22,181,583, plus strand): 5'-ACGCCGAGGGTGAACCCGTGTGCAATGCTTGTGGACTCTACATGAAACTCCATGGGGTAT[G>A]CCATGTATTCTGCTCACTTGTATATACATTTAGTATCTGGTTTGTATGTGATATCAGTTA-3'